The following is an entry in ClinVar:

ClinVar aggregate classification (germline): Uncertain significance (1 of 4 stars; one submission).

Conditions:
AGO1-related disorder. Also called: AGO1-related condition.

Submission:

PreventionGenetics, part of Exact Sciences
Classification: Uncertain significance for AGO1-related condition. Last evaluated: 2026-06-19. Review status: criteria provided, single submitter. Criteria: ACMG Guidelines, 2015. Collection method: clinical testing. Allele origin: germline.
Comment: The AGO1 c.1786G>T variant is predicted to result in the amino acid substitution p.Val596Phe. To our knowledge, this variant has not been reported in the literature or in a large population database (gnomAD), indicating this variant is rare. At this time, the clinical significance of this variant is uncertain due to the absence of conclusive functional and genetic evidence.

NM_012199.5(AGO1):c.1786G>T (p.Val596Phe)

Gene: AGO1 (argonaute RISC component 1; plus strand). Cytogenetic location: 1p34.3.
Variant type: single nucleotide variant.
Coding change: c.1786G>T on transcript NM_012199.5 (MANE Select); coding-DNA position 1786, G replaced by T.
Protein change: p.Val596Phe; replaces valine 596 with phenylalanine.
Molecular consequence: missense variant.
Genome position (GRCh38, 1-based): chr1:35,914,227, G>T. VCF-style: chr1-35914227-G-T. GRCh37 (hg19) VCF-style: chr1-36379828-G-T.
Other names: c.1786G>T, p.Val596Phe (NM_001317122.2); c.1561G>T, p.Val521Phe (NM_001317123.2); short protein forms V596F, V521F.
Identifiers: ClinVar variation 4993135 (VCV004993135.1).
Genomic context (GRCh38, chr1:35,914,227, plus strand): 5'-TTCTCTTCCTTGCTCAGCTCTGCCGTTTTTCAACAGCCAGTGATATTCCTGGGAGCAGAT[G>T]TTACACACCCCCCAGCAGGGGATGGGAAAAAACCTTCTATCACAGCAGTGAGTGATATTC-3'
Protein context (NP_036331.1, residues 586-606): QQPVIFLGAD[Val596Phe]THPPAGDGKK